The following is an entry in ClinVar:

NM_004565.3(PEX14):c.556G>C (p.Glu186Gln)

Genes: PEX14 (peroxisomal biogenesis factor 14; plus strand), LOC126805616 (CDK7 strongly-dependent group 2 enhancer GRCh37_chr1:10683990-10685189; plus strand). Cytogenetic location: 1p36.22.
Variant type: single nucleotide variant.
Coding change: c.556G>C on transcript NM_004565.3 (MANE Select); coding-DNA position 556, G replaced by C.
Protein change: p.Glu186Gln; replaces glutamic acid 186 with glutamine.
Molecular consequence: missense variant.
Genome position (GRCh38, 1-based): chr1:10,624,408, G>C. VCF-style: chr1-10624408-G-C. GRCh37 (hg19) VCF-style: chr1-10684465-G-C.
Other names: short protein forms E186Q.
Identifiers: ClinVar variation 418404 (VCV000418404.10), dbSNP rs543130270, ClinGen allele CA583888.

ClinVar aggregate classification (germline): Uncertain significance. Review status: criteria provided, multiple submitters, no conflicts (2 of 4 stars). 4 submissions from 4 submitters: Uncertain significance (4). Last evaluated 2024-10-03.

Conditions:
Peroxisome biogenesis disorder, complementation group K (CGK). Identifiers: MedGen C1866257, MONDO:0800365.
Inborn genetic diseases. Identifiers: MedGen C0950123, MeSH D030342.

Allele frequency attached by ClinVar (database versions not stated): gnomAD 0.00001; gnomAD exomes 0.00001; ExAC 0.00002.
gnomAD v4.1: 13 of 1,613,278 alleles (0.00081%); highest among the groups gnomAD compares: Middle Eastern, 0.049%; no homozygotes.

Submissions (4):

Ambry Genetics
Classification: Uncertain significance for Inborn genetic diseases. Last evaluated: 2024-10-03. Review status: criteria provided, single submitter. Criteria: Ambry Variant Classification Scheme 2023. Collection method: clinical testing. Allele origin: germline.

Labcorp Genetics (formerly Invitae), Labcorp
Classification: Uncertain significance for Peroxisome biogenesis disorder, complementation group K. Last evaluated: 2023-05-22. Review status: criteria provided, single submitter. Criteria: Invitae Variant Classification Sherloc (09022015). Collection method: clinical testing. Allele origin: germline.
Comment: This sequence change replaces glutamic acid, which is acidic and polar, with glutamine, which is neutral and polar, at codon 186 of the PEX14 protein (p.Glu186Gln). In summary, the available evidence is currently insufficient to determine the role of this variant in disease. Therefore, it has been classified as a Variant of Uncertain Significance. Advanced modeling of protein sequence and biophysical properties (such as structural, functional, and spatial information, amino acid conservation, physicochemical variation, residue mobility, and thermodynamic stability) performed at Invitae indicates that this missense variant is not expected to disrupt PEX14 protein function. ClinVar contains an entry for this variant (Variation ID: 418404). This variant has not been reported in the literature in individuals affected with PEX14-related conditions. This variant is present in population databases (rs543130270, gnomAD 0.006%).

GeneDx
Classification: Uncertain significance. Last evaluated: 2018-05-08. Review status: criteria provided, single submitter. Criteria: GeneDx Variant Classification (06012015). Collection method: clinical testing. Allele origin: germline. Affected: yes.
Comment: The E186Q variant in the PEX14 gene has not been reported previously as a pathogenic variant, nor as a benign variant, to our knowledge. The E186Q variant is not observed at a significant frequency in large population cohorts (Lek et al., 2016; 1000 Genomes Consortium et al., 2015; Exome Variant Server). The E186Q variant is a semi-conservative amino acid substitution, which may impact secondary protein structure as these residues differ in some properties. This substitution occurs at a position that is conserved across species. In silico analysis is inconsistent in its predictions as to whether or not the variant is damaging to the protein structure/function. We interpret E186Q as a variant of uncertain significance.

Breakthrough Genomics
Classification: Uncertain significance. Review status: criteria provided, single submitter. Criteria: ACMG Guidelines, 2015. Collection method: not provided. Allele origin: germline. Inheritance: Autosomal recessive inheritance. Affected: yes.